The following is an entry in ClinVar:

NM_054012.4(ASS1):c.971-1G>A

Gene: ASS1 (argininosuccinate synthase 1; plus strand). Cytogenetic location: 9q34.11.
Variant type: single nucleotide variant.
Coding change: c.971-1G>A on transcript NM_054012.4 (MANE Select); the canonical splice acceptor site of the intron before coding-DNA position 971, G replaced by A.
Molecular consequence: splice acceptor variant.
Genome position (GRCh38, 1-based): chr9:130,494,866, G>A. VCF-style: chr9-130494866-G-A. GRCh37 (hg19) VCF-style: chr9-133370253-G-A.
Other names: c.971-1G>A (NM_000050.4).
Identifiers: ClinVar variation 551358 (VCV000551358.5), dbSNP rs1554725033, ClinGen allele CA375231772.
Genomic context (GRCh38, chr9:130,494,866, plus strand): 5'-CTCCCTGTGTCCTCGCGGTGCAGGAGGCCTCCCTAGTGGTATCCTGTTTTCCTCCCTGTA[G>A]GTTTCTGGCACAGCCCTGAGTGTGAATTTGTCCGCCACTGCATCGCCAAGTCCCAGGAGC-3'

ClinVar aggregate classification (germline): Likely pathogenic. Review status: criteria provided, multiple submitters, no conflicts (2 of 4 stars). 3 submissions from 3 submitters: Likely pathogenic (2). 1 of the submissions does not count toward it. Last evaluated 2025-04-14.

Conditions:
Citrullinemia type I (CTNL1). Also called: ASS DEFICIENCY; argininosuccinate synthetase deficiency. Identifiers: Orphanet 247525, MedGen C4721769, MONDO:0008988, OMIM 215700.

Allele frequency attached by ClinVar (database versions not stated): TOPMed below 0.00001.

Submissions (3):

Natera, Inc.
Classification: Likely pathogenic for Citrullinemia type I. Last evaluated: 2025-04-14. Review status: criteria provided, single submitter. Criteria: Natera Variant Classification Schema (03/2026). Collection method: clinical testing. Allele origin: germline.
Comment: The c.971-1G>A variant in ASS1 is a canonical splice acceptor site variant predicted to affect pre-mRNA splicing, which may result in an abnormal transcript and altered protein product. This variant is expected to result in nonsense mediated decay, truncation, or a dysfunctional protein product. This variant is rare in the general population with a frequency below the threshold expected for the associated phenotype(s). Given the available evidence, this variant is classified as Likely Pathogenic.

Baylor Genetics
Classification: Likely pathogenic for Citrullinemia type I. Last evaluated: 2022-03-19. Review status: criteria provided, single submitter. Criteria: ACMG Guidelines, 2015. Collection method: clinical testing. Allele origin: unknown.

Counsyl
Classification: Likely pathogenic for Citrullinemia type I. Last evaluated: 2017-04-04. Review status: no assertion criteria provided. Collection method: clinical testing. Allele origin: unknown. Not counted in ClinVar's aggregate classification.